The following is an entry in ClinVar:

NM_001144952.2(SDK2):c.4785C>T (p.Tyr1595=)

Gene: SDK2 (sidekick cell adhesion molecule 2; minus strand). Cytogenetic location: 17q25.1.
Variant type: single nucleotide variant.
Coding change: c.4785C>T on transcript NM_001144952.2 (MANE Select); coding-DNA position 4785, C replaced by T.
Protein change: p.Tyr1595=; no amino-acid change (tyrosine 1595 retained).
Molecular consequence: synonymous variant.
Genome position (GRCh38, 1-based): chr17:73,379,527, G>A on the plus strand (C>T on the coding strand, the complement: SDK2 is on the minus strand). VCF-style: chr17-73379527-G-A. GRCh37 (hg19) VCF-style: chr17-71375666-G-A.
Identifiers: ClinVar variation 3049250 (VCV003049250.2), dbSNP rs141328074, ClinGen allele CA8742626.

ClinVar aggregate classification (germline): Likely benign (0 of 4 stars; one submission).

Conditions:
SDK2-related disorder. Also called: SDK2-related condition.

Allele frequency attached by ClinVar (database versions not stated): ExAC 0.00003; gnomAD exomes 0.00005; gnomAD 0.00008; ESP Exome Variant Server 0.00015.
gnomAD v4.1: 82 of 1,611,922 alleles (0.0051%); highest among the groups gnomAD compares: African/African-American, 0.008%; no homozygotes.

Submission:

PreventionGenetics, part of Exact Sciences
Classification: Likely benign for SDK2-related condition. Last evaluated: 2019-11-18. Review status: no assertion criteria provided. Collection method: clinical testing. Allele origin: germline.
Comment: This variant is classified as likely benign based on ACMG/AMP sequence variant interpretation guidelines (Richards et al. 2015 PMID: 25741868, with internal and published modifications).